The following is an entry in ClinVar:

NM_006736.6(DNAJB2):c.353-24_357del

Gene: DNAJB2 (DnaJ heat shock protein family (Hsp40) member B2; plus strand). Cytogenetic location: 2q35.
Variant type: Deletion.
Coding change: c.353-24_357del on transcript NM_006736.6 (MANE Select); 24 bases into the intron before coding-DNA position 353 through coding-DNA position 357, 29 bases deleted (TGCTAATCTGTTTACTTGTTGCAGATGAC).
Molecular consequence: splice acceptor variant.
Genome position (GRCh38, 1-based): chr2:219,282,813-219,282,841, TGCTAATCTGTTTACTTGTTGCAGATGAC deleted; deleting any 29 consecutive bases within chr2:219,282,805-219,282,841 gives the same sequence; the c. name uses the placement nearest the transcript's 3' end. VCF-style (leftmost placement, unchanged base first): chr2-219282804-CCAGATGACTGCTAATCTGTTTACTTGTTG-C. GRCh37 (hg19) VCF-style: chr2-220147526-CCAGATGACTGCTAATCTGTTTACTTGTTG-C.
Other names: c.353-24_357del (NM_001039550.2).
Identifiers: ClinVar variation 1732377 (VCV001732377.4), dbSNP rs1389758339, ClinGen allele CA764956498.

ClinVar aggregate classification (germline): Conflicting classifications of pathogenicity. Review status: criteria provided, conflicting classifications (1 of 4 stars). 2 submissions from 2 submitters: Likely pathogenic (1); Uncertain significance (1). Last evaluated 2024-11-04.

Conditions:
Neuronopathy, distal hereditary motor, autosomal recessive 5. Also called: NEUROPATHY, DISTAL HEREDITARY MOTOR, AUTOSOMAL RECESSIVE 5; Young adult-onset distal hereditary motor neuropathy; Spinal muscular atrophy, distal, autosomal recessive, 5. Identifiers: Orphanet 314485, Orphanet 443950, MedGen C4749918, MONDO:0013947, OMIM 614881.
Inborn genetic diseases. Identifiers: MedGen C0950123, MeSH D030342.

Submissions (2):

Labcorp Genetics (formerly Invitae), Labcorp
Classification: Likely pathogenic for Neuronopathy, distal hereditary motor, autosomal recessive 5. Last evaluated: 2024-11-04. Review status: criteria provided, single submitter. Criteria: Invitae Variant Classification Sherloc (09022015). Collection method: clinical testing. Allele origin: germline.
Comment: This variant results in the deletion of part of exon 6 of the DNAJB2 gene. It is expected to disrupt RNA splicing. Variants that disrupt the donor or acceptor splice site typically lead to a loss of protein function (PMID: 16199547), and loss-of-function variants in DNAJB2 are known to be pathogenic (PMID: 22522442, 25274842). This variant is not present in population databases (gnomAD no frequency). This variant has not been reported in the literature in individuals affected with DNAJB2-related conditions. ClinVar contains an entry for this variant (Variation ID: 1732377). In summary, the currently available evidence indicates that the variant is pathogenic, but additional data are needed to prove that conclusively. Therefore, this variant has been classified as Likely Pathogenic.

Ambry Genetics
Classification: Uncertain significance for Inborn genetic diseases. Last evaluated: 2021-12-14. Review status: criteria provided, single submitter. Criteria: Ambry Variant Classification Scheme 2023. Collection method: clinical testing. Allele origin: germline.
Comment: The c.353-24_357del29 variant is located between intron 4 and coding exon 5 of the DNAJB2 gene. This alteration results in a deletion of 29 nucleotides at position c.353-24 to c.357 and involves the canonical splice acceptor site before coding exon 5 of the DNAJB2 gene. This variant is considered to be rare based on population cohorts in the Genome Aggregation Database (gnomAD). The canonical splice acceptor site is highly conserved in available vertebrate species. In silico splice site analysis predicts that this alteration will weaken the native splice acceptor site; however, the exact impact of this deletion on DNAJB2 splicing and function is currently unknown. Alterations that disrupt the canonical splice site are expected to result in aberrant splicing. The resulting transcript is predicted to be in-frame and is not expected to trigger nonsense-mediated mRNAdecay; however, direct evidence is unavailable. The exact functional effect of the altered amino acid sequence is unknown. Since supporting evidence is limited at this time, the clinical significance of this alteration remains unclear.

Literature cited by the submitters: PubMed 16199547 (cited by Labcorp Genetics (formerly Invitae), Labcorp); PubMed 22522442 (cited by Labcorp Genetics (formerly Invitae), Labcorp); PubMed 25274842 (cited by Labcorp Genetics (formerly Invitae), Labcorp).